The following is an entry in ClinVar:

NM_014141.6(CNTNAP2):c.2946G>C (p.Glu982Asp)

Genes: CNTNAP2 (contactin associated protein 2; plus strand), LOC126860216 (BRD4-independent group 4 enhancer GRCh37_chr7:147868766-147869965; plus strand). Cytogenetic location: 7q35.
Variant type: single nucleotide variant.
Coding change: c.2946G>C on transcript NM_014141.6 (MANE Select); coding-DNA position 2946, G replaced by C.
Protein change: p.Glu982Asp; replaces glutamic acid 982 with aspartic acid.
Molecular consequence: missense variant.
Genome position (GRCh38, 1-based): chr7:148,172,414, G>C. VCF-style: chr7-148172414-G-C. GRCh37 (hg19) VCF-style: chr7-147869506-G-C.
Other names: short protein forms E982D.
Identifiers: ClinVar variation 1063761 (VCV001063761.9), dbSNP rs1416168750, ClinGen allele CA369928671.

ClinVar aggregate classification (germline): Uncertain significance (1 of 4 stars; one submission).

Conditions:
Cortical dysplasia-focal epilepsy syndrome (PTHSL1). Also called: Pitt-Hopkins-like syndrome 1. Identifiers: Orphanet 163681, Orphanet 221150, MedGen C2750246, MONDO:0012400, OMIM 610042.

Allele frequency attached by ClinVar (database versions not stated): gnomAD exomes below 0.00001.
gnomAD v4.1: 1 of 1,614,184 alleles (0.000062%); highest among the groups gnomAD compares: South Asian, 0.0011%; no homozygotes.

Submission:

Labcorp Genetics (formerly Invitae), Labcorp
Classification: Uncertain significance for Cortical dysplasia-focal epilepsy syndrome. Last evaluated: 2020-04-24. Review status: criteria provided, single submitter. Criteria: Invitae Variant Classification Sherloc (09022015). Collection method: clinical testing. Allele origin: germline.
Comment: In summary, the available evidence is currently insufficient to determine the role of this variant in disease. Therefore, it has been classified as a Variant of Uncertain Significance. Algorithms developed to predict the effect of missense changes on protein structure and function (SIFT, PolyPhen-2, Align-GVGD) all suggest that this variant is likely to be disruptive, but these predictions have not been confirmed by published functional studies and their clinical significance is uncertain. This variant has not been reported in the literature in individuals with CNTNAP2-related conditions. This variant is not present in population databases (ExAC no frequency). This sequence change replaces glutamic acid with aspartic acid at codon 982 of the CNTNAP2 protein (p.Glu982Asp). The glutamic acid residue is highly conserved and there is a small physicochemical difference between glutamic acid and aspartic acid.